The following is an entry in ClinVar:

ClinVar aggregate classification (germline): Likely benign (0 of 4 stars; one submission).

Conditions:
DLL1-related disorder. Also called: DLL1-related condition.

Allele frequency attached by ClinVar (database versions not stated): gnomAD 0.00001; gnomAD exomes 0.00001.
gnomAD v4.1: 22 of 1,614,050 alleles (0.0014%); highest among the groups gnomAD compares: Non-Finnish European, 0.0018%; no homozygotes.

Submission:

PreventionGenetics, part of Exact Sciences
Classification: Likely benign for DLL1-related condition. Last evaluated: 2022-10-25. Review status: no assertion criteria provided. Collection method: clinical testing. Allele origin: germline.
Comment: This variant is classified as likely benign based on ACMG/AMP sequence variant interpretation guidelines (Richards et al. 2015 PMID: 25741868, with internal and published modifications).

NM_005618.4(DLL1):c.1107C>T (p.Thr369=)

Gene: DLL1 (delta like canonical Notch ligand 1; minus strand). Cytogenetic location: 6q27.
Variant type: single nucleotide variant.
Coding change: c.1107C>T on transcript NM_005618.4 (MANE Select); coding-DNA position 1107, C replaced by T.
Protein change: p.Thr369=; no amino-acid change (threonine 369 retained).
Molecular consequence: synonymous variant.
Genome position (GRCh38, 1-based): chr6:170,285,061, G>A on the plus strand (C>T on the coding strand, the complement: DLL1 is on the minus strand). VCF-style: chr6-170285061-G-A. GRCh37 (hg19) VCF-style: chr6-170594149-G-A.
Identifiers: ClinVar variation 3036909 (VCV003036909.2), dbSNP rs1159470441, ClinGen allele CA453613950.